The following is an entry in ClinVar:

ClinVar aggregate classification (germline): Uncertain significance (1 of 4 stars; one submission).

gnomAD v4.1: 6 of 1,614,124 alleles (0.00037%); highest among the groups gnomAD compares: South Asian, 0.0011%; no homozygotes.

Submission:

Labcorp Genetics (formerly Invitae), Labcorp
Classification: Uncertain significance. Last evaluated: 2024-02-08. Review status: criteria provided, single submitter. Criteria: Invitae Variant Classification Sherloc (09022015). Collection method: clinical testing. Allele origin: germline.
Comment: This sequence change affects codon 2495 of the COL7A1 mRNA. It is a 'silent' change, meaning that it does not change the encoded amino acid sequence of the COL7A1 protein. This variant also falls at the last nucleotide of exon 98, which is part of the consensus splice site for this exon. This variant is present in population databases (no rsID available, gnomAD 0.003%). This variant has been observed in individual(s) with autosomal recessive dystrophic epidermolysis bullosa (PMID: 32484238). Variants that disrupt the consensus splice site are a relatively common cause of aberrant splicing (PMID: 17576681, 9536098). Algorithms developed to predict the effect of sequence changes on RNA splicing suggest that this variant may disrupt the consensus splice site. In summary, the available evidence is currently insufficient to determine the role of this variant in disease. Therefore, it has been classified as a Variant of Uncertain Significance.

Literature cited by the submitters: PubMed 32484238; PubMed 17576681; PubMed 9536098.

NM_000094.4(COL7A1):c.7485G>A (p.Thr2495=)

Gene: COL7A1 (collagen type VII alpha 1 chain; minus strand). Cytogenetic location: 3p21.31.
Variant type: single nucleotide variant.
Coding change: c.7485G>A on transcript NM_000094.4 (MANE Select); coding-DNA position 7485, G replaced by A.
Protein change: p.Thr2495=; no amino-acid change (threonine 2495 retained).
Molecular consequence: synonymous variant.
Genome position (GRCh38, 1-based): chr3:48,570,134, C>T on the plus strand (G>A on the coding strand, the complement: COL7A1 is on the minus strand). VCF-style: chr3-48570134-C-T. GRCh37 (hg19) VCF-style: chr3-48607567-C-T.
Identifiers: ClinVar variation 3705855 (VCV003705855.2).
Genomic context (GRCh38, chr3:48,570,134, plus strand): 5'-CAAAGGGCACAGGCAGGGGACTGAAGTCACAGCACTGTCACTTTCCCCAGCGGGACCCAC[C>T]GTGAGTCCTCGGGGTCCCTCCTGGCCGGGGCGGCCATCTTCACCCTGGATGGTGACATTA-3'
Protein context (NP_000085.1, residues 2485-2505): RPGQEGPRGL[Thr2495=]GPPGSRGERG